The following is an entry in ClinVar:

NM_001540.5(HSPB1):c.365-10C>T

Gene: HSPB1 (heat shock protein family B (small) member 1; plus strand). Cytogenetic location: 7q11.23.
Variant type: single nucleotide variant.
Coding change: c.365-10C>T on transcript NM_001540.5 (MANE Select); 10 bases into the intron before coding-DNA position 365, C replaced by T.
Molecular consequence: intron variant.
Genome position (GRCh38, 1-based): chr7:76,303,792, C>T. VCF-style: chr7-76303792-C-T. GRCh37 (hg19) VCF-style: chr7-75933109-C-T.
Other names: c.365-10C>T (NM_001540.3).
Identifiers: ClinVar variation 1116757 (VCV001116757.10), dbSNP rs760390744, ClinGen allele CA4306355.

ClinVar aggregate classification (germline): Likely benign. Review status: criteria provided, multiple submitters, no conflicts (2 of 4 stars). 2 submissions from 2 submitters: Likely benign (2). Last evaluated 2026-02-01.

Conditions:
HSPB1-related disorder. Also called: HSPB1-related disorders; HSPB1-related condition.
Charcot-Marie-Tooth disease axonal type 2F (CMT2F). Also called: CHARCOT-MARIE-TOOTH DISEASE, NEURONAL, TYPE 2F; Charcot-Marie-Tooth Neuropathy Type 2F. Identifiers: Orphanet 99940, MedGen C1847823, MONDO:0011687, OMIM 606595.

Submissions (2):

Labcorp Genetics (formerly Invitae), Labcorp
Classification: Likely benign for Charcot-Marie-Tooth disease axonal type 2F. Last evaluated: 2026-02-01. Review status: criteria provided, single submitter. Criteria: Invitae Variant Classification Sherloc (09022015). Collection method: clinical testing. Allele origin: germline.

PreventionGenetics, part of Exact Sciences
Classification: Likely benign for HSPB1-related condition. Last evaluated: 2025-09-16. Review status: criteria provided, single submitter. Criteria: ACMG Guidelines, 2015. Collection method: clinical testing. Allele origin: germline.
Comment: This variant is classified as likely benign based on ACMG/AMP sequence variant interpretation guidelines (Richards et al. 2015 PMID: 25741868, with internal and published modifications).